The following is an entry in ClinVar:

NM_001040436.3(YARS2):c.1414A>G (p.Ile472Val)

Gene: YARS2 (tyrosyl-tRNA synthetase 2; minus strand). Cytogenetic location: 12p11.21.
Variant type: single nucleotide variant.
Coding change: c.1414A>G on transcript NM_001040436.3 (MANE Select); coding-DNA position 1414, A replaced by G.
Protein change: p.Ile472Val; replaces isoleucine 472 with valine.
Molecular consequence: missense variant.
Genome position (GRCh38, 1-based): chr12:32,747,224, T>C on the plus strand (A>G on the coding strand, the complement: YARS2 is on the minus strand). VCF-style: chr12-32747224-T-C. GRCh37 (hg19) VCF-style: chr12-32900158-T-C.
Other names: p.Ile472Val; c.1414A>G (NM_001040436.2); short protein forms I472V.
Identifiers: ClinVar variation 4541707 (VCV004541707.1).
Genomic context (GRCh38, chr12:32,747,224, plus strand): 5'-TGATGGGTAAGTTTATTTGGACAACCAGAAGGACTTTTCATCACAACTGAAGCCATTTTA[T>C]AATGTAGAAATTTCTTTTTCCTATTTTAAGTAAGGAAAGTCCATTCTTGAGAATATGTTG-3'
Protein context (NP_001035526.1, residues 462-477): LKIGKRNFYI[Ile472Val]KWLQL

ClinVar aggregate classification (germline): Uncertain significance. Review status: criteria provided, multiple submitters, no conflicts (2 of 4 stars). 2 submissions from 2 submitters: Uncertain significance (2). Last evaluated 2025-12-08.

Conditions:
Inborn genetic diseases. Identifiers: MedGen C0950123, MeSH D030342.

gnomAD v4.1: 3 of 1,613,228 alleles (0.00019%); highest among the groups gnomAD compares: Admixed American, 0.0033%; no homozygotes.

Submissions (2):

Ambry Genetics
Classification: Uncertain significance for Inborn genetic diseases. Last evaluated: 2025-12-08. Review status: criteria provided, single submitter. Criteria: Ambry Variant Classification Scheme 2023. Collection method: clinical testing. Allele origin: germline.

Mayo Clinic Laboratories, Mayo Clinic
Classification: Uncertain significance. Last evaluated: 2025-10-18. Review status: criteria provided, single submitter. Criteria: ACMG Guidelines, 2015. Collection method: clinical testing. Allele origin: germline. Observed: 1 variant allele.
Comment: BP4_moderate